The following is an entry in ClinVar:

NM_002875.5(RAD51):c.885A>G (p.Ala295=)

Gene: RAD51 (RAD51 recombinase; plus strand). Cytogenetic location: 15q15.1.
Variant type: single nucleotide variant.
Coding change: c.885A>G on transcript NM_002875.5 (MANE Select); coding-DNA position 885, A replaced by G.
Protein change: p.Ala295=; no amino-acid change (alanine 295 retained).
Molecular consequence: synonymous variant. On other transcripts: intron variant (1).
Genome position (GRCh38, 1-based): chr15:40,729,963, A>G. VCF-style: chr15-40729963-A-G. GRCh37 (hg19) VCF-style: chr15-41022161-A-G.
Other names: c.888A>G, p.Ala296= (NM_001164269.2, NM_133487.4); c.774+329A>G (NM_001164270.2); c.888A>G (NM_001164269.1).
Identifiers: ClinVar variation 1337171 (VCV001337171.12), dbSNP rs779197451, ClinGen allele CA7484133.

ClinVar aggregate classification (germline): Likely benign. Review status: criteria provided, multiple submitters, no conflicts (2 of 4 stars). 4 submissions from 4 submitters: Likely benign (3). 1 of the submissions does not count toward it. Last evaluated 2025-11-25.

Conditions:
RAD51-related disorder. Also called: RAD51-related disorders; RAD51-related condition.
Inborn genetic diseases. Identifiers: MedGen C0950123, MeSH D030342.

Allele frequency attached by ClinVar (database versions not stated): ExAC 0.00002; TOPMed 0.00003.
gnomAD v4.1: 22 of 1,614,100 alleles (0.0014%); highest among the groups gnomAD compares: Admixed American, 0.028%; no homozygotes.

Submissions (4):

Labcorp Genetics (formerly Invitae), Labcorp
Classification: Likely benign. Last evaluated: 2025-11-25. Review status: criteria provided, single submitter. Criteria: Invitae Variant Classification Sherloc (09022015). Collection method: clinical testing. Allele origin: germline.

Ambry Genetics
Classification: Likely benign for Inborn genetic diseases. Last evaluated: 2022-06-06. Review status: criteria provided, single submitter. Criteria: Ambry Variant Classification Scheme 2023. Collection method: clinical testing. Allele origin: germline.

Genetic Services Laboratory, University of Chicago
Classification: Likely benign. Last evaluated: 2018-09-13. Review status: criteria provided, single submitter. Criteria: ACMG Guidelines, 2015. Collection method: clinical testing. Allele origin: germline. Affected: no.

PreventionGenetics, part of Exact Sciences
Classification: Likely benign for RAD51-related condition. Last evaluated: 2019-11-04. Review status: no assertion criteria provided. Collection method: clinical testing. Allele origin: germline. Not counted in ClinVar's aggregate classification.
Comment: This variant is classified as likely benign based on ACMG/AMP sequence variant interpretation guidelines (Richards et al. 2015 PMID: 25741868, with internal and published modifications).